The following is an entry in ClinVar:

ClinVar aggregate classification (germline): Conflicting classifications of pathogenicity. Review status: criteria provided, conflicting classifications (1 of 4 stars). 4 submissions from 4 submitters: Uncertain significance (2); Likely benign (2). Last evaluated 2025-11-27.

Conditions:
ARID1B-Related Disorder. Identifiers: MedGen CN381337.
Inborn genetic diseases. Identifiers: MedGen C0950123, MeSH D030342.

Allele frequency attached by ClinVar (database versions not stated): gnomAD 0.00004 and 0.00005; gnomAD exomes 0.00004 and 0.00007; TOPMed 0.00004; ExAC 0.00005; 1000 Genomes Project 30x 0.00016; 1000 Genomes Project 0.00020.
gnomAD v4.1: 101 of 1,614,204 alleles (0.0063%); highest among the groups gnomAD compares: Middle Eastern, 0.016%; 1 homozygote.

Submissions (4):

Labcorp Genetics (formerly Invitae), Labcorp
Classification: Likely benign. Last evaluated: 2025-11-27. Review status: criteria provided, single submitter. Criteria: Invitae Variant Classification Sherloc (09022015). Collection method: clinical testing. Allele origin: germline.

Laboratory of Genetics, Children's Clinical University Hospital Latvia
Classification: Likely benign. Last evaluated: 2025-02-16. Review status: criteria provided, single submitter. Criteria: ACMG Guidelines, 2015. Collection method: clinical testing. Allele origin: germline. Affected: yes.

PreventionGenetics, part of Exact Sciences
Classification: Uncertain significance for ARID1B-related condition. Last evaluated: 2025-02-05. Review status: criteria provided, single submitter. Criteria: ACMG Guidelines, 2015. Collection method: clinical testing. Allele origin: germline.
Comment: The ARID1B c.5357A>G variant is predicted to result in the amino acid substitution p.Lys1786Arg. This variant has been reported in one individual with neurodevelopmental disorders (Table S1, Valencia et al. 2023. PubMed ID: 37500730). This variant is reported in 0.011% of alleles in individuals of European (Non-Finnish) descent in gnomAD. Although we suspect that this variant may be benign, at this time, the clinical significance of this variant is uncertain due to the absence of conclusive functional and genetic evidence.

Ambry Genetics
Classification: Uncertain significance for Inborn genetic diseases. Last evaluated: 2016-10-28. Review status: criteria provided, single submitter. Criteria: Ambry Variant Classification Scheme 2023. Collection method: clinical testing. Allele origin: germline.
Comment: The p.K1786R variant (also known as c.5357A>G), located in coding exon 20 of the ARID1B gene, results from an A to G substitution at nucleotide position 5357. The lysine at codon 1786 is replaced by arginine, an amino acid with highly similar properties. This variant was not reported in population based cohorts in the following databases: Database of Single Nucleotide Polymorphisms (dbSNP), NHLBI Exome Sequencing Project (ESP), and 1000 Genomes Project. In the ESP, this variant was not observed in 6499 samples (12998 alleles) with coverage at this position. This amino acid position is not well conserved in available vertebrate species. In addition, this alteration is predicted to be tolerated by in silico analysis. Since supporting evidence is limited at this time, the clinical significance of this alteration remains unclear.

NM_001374828.1(ARID1B):c.5726A>G (p.Lys1909Arg)

Gene: ARID1B (AT-rich interaction domain 1B; plus strand). Cytogenetic location: 6q25.3.
Variant type: single nucleotide variant.
Coding change: c.5726A>G on transcript NM_001374828.1 (MANE Select); coding-DNA position 5726, A replaced by G.
Protein change: p.Lys1909Arg; replaces lysine 1909 with arginine.
Molecular consequence: missense variant.
Genome position (GRCh38, 1-based): chr6:157,206,498, A>G. VCF-style: chr6-157206498-A-G. GRCh37 (hg19) VCF-style: chr6-157527632-A-G.
Other names: c.5357A>G, p.Lys1786Arg (NM_020732.3); c.3227A>G, p.Lys1076Arg (NM_001363725.2); c.5606A>G, p.Lys1869Arg (NM_001371656.1, NM_001374820.1); c.5567A>G, p.Lys1856Arg (NM_017519.3); short protein forms K1786R, K1076R, K1856R, K1869R, K1909R.
Identifiers: ClinVar variation 589443 (VCV000589443.12), dbSNP rs574141489, ClinGen allele CA4067892.